The following is an entry in ClinVar:

NM_001206927.2(DNAH8):c.4842T>G (p.Ile1614Met)

Gene: DNAH8 (dynein axonemal heavy chain 8; plus strand). Cytogenetic location: 6p21.2.
Variant type: single nucleotide variant.
Coding change: c.4842T>G on transcript NM_001206927.2 (MANE Select); coding-DNA position 4842, T replaced by G.
Protein change: p.Ile1614Met; replaces isoleucine 1614 with methionine.
Molecular consequence: missense variant.
Genome position (GRCh38, 1-based): chr6:38,842,900, T>G. VCF-style: chr6-38842900-T-G. GRCh37 (hg19) VCF-style: chr6-38810676-T-G.
Other names: c.4191T>G, p.Ile1397Met (NM_001371.4); short protein forms I1614M, I1397M.
Identifiers: ClinVar variation 2824958 (VCV002824958.3), dbSNP rs2532809388, ClinGen allele CA364004628.
Genomic context (GRCh38, chr6:38,842,900, plus strand): 5'-TGATTCTTTTTGCCTTAGAAATATCATGGAAGCACCACTCCTTAAACATAAGGATGATAT[T>G]GAGGTACATAAGTGTATACGTTCTTATCAATGATCCATTAAAGAATGTCTGCTTTTTCTT-3'
Protein context (NP_001193856.1, residues 1604-1624): EAPLLKHKDD[Ile1614Met]EDICISAIKE

ClinVar aggregate classification (germline): Uncertain significance (1 of 4 stars; one submission).

Conditions:
Primary ciliary dyskinesia. Also called: Ciliary dyskinesia. Identifiers: Orphanet 244, MedGen C0008780, MONDO:0016575, HP:0012265.

Submission:

Labcorp Genetics (formerly Invitae), Labcorp
Classification: Uncertain significance for Primary ciliary dyskinesia. Last evaluated: 2022-12-30. Review status: criteria provided, single submitter. Criteria: Invitae Variant Classification Sherloc (09022015). Collection method: clinical testing. Allele origin: germline.
Comment: In summary, the available evidence is currently insufficient to determine the role of this variant in disease. Therefore, it has been classified as a Variant of Uncertain Significance. This sequence change replaces isoleucine, which is neutral and non-polar, with methionine, which is neutral and non-polar, at codon 1614 of the DNAH8 protein (p.Ile1614Met). Advanced modeling of protein sequence and biophysical properties (such as structural, functional, and spatial information, amino acid conservation, physicochemical variation, residue mobility, and thermodynamic stability) has been performed at Invitae for this missense variant, however the output from this modeling did not meet the statistical confidence thresholds required to predict the impact of this variant on DNAH8 protein function. This variant has not been reported in the literature in individuals affected with DNAH8-related conditions. This variant is not present in population databases (gnomAD no frequency).